The following is an entry in ClinVar:

NM_000384.3(APOB):c.13615C>A (p.Leu4539Met)

Genes: APOB (apolipoprotein B; minus strand), APOB3'MAR (APOB 3' scaffold/matrix attachment region; plus strand). Cytogenetic location: 2p24.1.
Variant type: single nucleotide variant.
Coding change: c.13615C>A on transcript NM_000384.3 (MANE Select); coding-DNA position 13615, C replaced by A.
Protein change: p.Leu4539Met; replaces leucine 4539 with methionine.
Molecular consequence: missense variant.
Genome position (GRCh38, 1-based): chr2:21,001,807, G>T on the plus strand (C>A on the coding strand, the complement: APOB is on the minus strand). VCF-style: chr2-21001807-G-T. GRCh37 (hg19) VCF-style: chr2-21224679-G-T.
Other names: short protein forms L4539M.
Identifiers: ClinVar variation 1770838 (VCV001770838.3), dbSNP rs1219325740, ClinGen allele CA345966988.
Genomic context (GRCh38, chr2:21,001,807, plus strand): 5'-GTTCTCCTGGAGCAAGCTTCATGTAGGGGTTCATGACTGTGGTTGATTGCAGCTTTTTCA[G>T]TAACTCCGTGATGTATATCAGAAATGTGTGGTAGTTTTGAATGGACAGGTCAATCAATCT-3'
Protein context (NP_000375.3, residues 4529-4549): HTFLIYITEL[Leu4539Met]KKLQSTTVMN

ClinVar aggregate classification (germline): Uncertain significance (1 of 4 stars; one submission).

Conditions:
Cardiovascular phenotype. Identifiers: MedGen CN230736.

Allele frequency attached by ClinVar (database versions not stated): gnomAD exomes below 0.00001; TOPMed below 0.00001; gnomAD 0.00001.

Submission:

Ambry Genetics
Classification: Uncertain significance for Cardiovascular phenotype. Last evaluated: 2025-07-21. Review status: criteria provided, single submitter. Criteria: Ambry Variant Classification Scheme 2023. Collection method: clinical testing. Allele origin: germline.
Comment: The p.L4539M variant (also known as c.13615C>A), located in coding exon 29 of the APOB gene, results from a C to A substitution at nucleotide position 13615. The leucine at codon 4539 is replaced by methionine, an amino acid with highly similar properties. This amino acid position is conserved. In addition, this alteration is predicted to be tolerated by in silico analysis. Since supporting evidence is limited at this time, the clinical significance of this alteration remains unclear.